The following is an entry in ClinVar:

ClinVar aggregate classification (germline): Uncertain significance (1 of 4 stars; one submission).

Submission:

Labcorp Genetics (formerly Invitae), Labcorp
Classification: Uncertain significance. Last evaluated: 2022-09-18. Review status: criteria provided, single submitter. Criteria: Invitae Variant Classification Sherloc (09022015). Collection method: clinical testing. Allele origin: germline.
Comment: This sequence change replaces serine, which is neutral and polar, with proline, which is neutral and non-polar, at codon 2720 of the COL7A1 protein (p.Ser2720Pro). This variant is not present in population databases (gnomAD no frequency). This variant has not been reported in the literature in individuals affected with COL7A1-related conditions. Advanced modeling of protein sequence and biophysical properties (such as structural, functional, and spatial information, amino acid conservation, physicochemical variation, residue mobility, and thermodynamic stability) performed at Invitae indicates that this missense variant is not expected to disrupt COL7A1 protein function. In summary, the available evidence is currently insufficient to determine the role of this variant in disease. Therefore, it has been classified as a Variant of Uncertain Significance.

NM_000094.4(COL7A1):c.8158T>C (p.Ser2720Pro)

Gene: COL7A1 (collagen type VII alpha 1 chain; minus strand). Cytogenetic location: 3p21.31.
Variant type: single nucleotide variant.
Coding change: c.8158T>C on transcript NM_000094.4 (MANE Select); coding-DNA position 8158, T replaced by C.
Protein change: p.Ser2720Pro; replaces serine 2720 with proline.
Molecular consequence: missense variant.
Genome position (GRCh38, 1-based): chr3:48,566,975, A>G on the plus strand (T>C on the coding strand, the complement: COL7A1 is on the minus strand). VCF-style: chr3-48566975-A-G. GRCh37 (hg19) VCF-style: chr3-48604408-A-G.
Other names: short protein forms S2720P.
Identifiers: ClinVar variation 1719737 (VCV001719737.5), dbSNP rs2530818088, ClinGen allele CA352639958.